The following is an entry in ClinVar:

NM_198271.5(LMOD3):c.469G>A (p.Asp157Asn)

Gene: LMOD3 (leiomodin 3; minus strand). Cytogenetic location: 3p14.1.
Variant type: single nucleotide variant.
Coding change: c.469G>A on transcript NM_198271.5 (MANE Select); coding-DNA position 469, G replaced by A.
Protein change: p.Asp157Asn; replaces aspartic acid 157 with asparagine.
Molecular consequence: missense variant.
Genome position (GRCh38, 1-based): chr3:69,119,886, C>T on the plus strand (G>A on the coding strand, the complement: LMOD3 is on the minus strand). VCF-style: chr3-69119886-C-T. GRCh37 (hg19) VCF-style: chr3-69169037-C-T.
Other names: c.469G>A, p.Asp157Asn (NM_001304418.3); c.469G>A (NM_198271.3); short protein forms D157N.
Identifiers: ClinVar variation 852334 (VCV000852334.6), dbSNP rs574142691, ClinGen allele CA76453796.

ClinVar aggregate classification (germline): Uncertain significance. Review status: criteria provided, multiple submitters, no conflicts (2 of 4 stars). 2 submissions from 2 submitters: Uncertain significance (2). Last evaluated 2024-06-17.

Conditions:
Nemaline myopathy 10 (NEM10). Identifiers: MedGen C4015360, MONDO:0014513, OMIM 616165.
Inborn genetic diseases. Identifiers: MedGen C0950123, MeSH D030342.

Allele frequency attached by ClinVar (database versions not stated): gnomAD 0.00002; gnomAD exomes 0.00003; TOPMed 0.00003.
gnomAD v4.1: 86 of 1,550,410 alleles (0.0055%); highest among the groups gnomAD compares: East Asian, 0.0073%; no homozygotes.

Submissions (2):

Labcorp Genetics (formerly Invitae), Labcorp
Classification: Uncertain significance for Nemaline myopathy 10. Last evaluated: 2024-06-17. Review status: criteria provided, single submitter. Criteria: Invitae Variant Classification Sherloc (09022015). Collection method: clinical testing. Allele origin: germline.
Comment: This sequence change replaces aspartic acid, which is acidic and polar, with asparagine, which is neutral and polar, at codon 157 of the LMOD3 protein (p.Asp157Asn). This variant is present in population databases (rs574142691, gnomAD 0.01%). This variant has not been reported in the literature in individuals affected with LMOD3-related conditions. ClinVar contains an entry for this variant (Variation ID: 852334). An algorithm developed to predict the effect of missense changes on protein structure and function (PolyPhen-2) suggests that this variant¬†is likely to be tolerated. In summary, the available evidence is currently insufficient to determine the role of this variant in disease. Therefore, it has been classified as a Variant of Uncertain Significance.

Ambry Genetics
Classification: Uncertain significance for Inborn genetic diseases. Last evaluated: 2023-12-14. Review status: criteria provided, single submitter. Criteria: Ambry Variant Classification Scheme 2023. Collection method: clinical testing. Allele origin: germline.